The following is an entry in ClinVar:

ClinVar aggregate classification (germline): Uncertain significance. Review status: criteria provided, multiple submitters, no conflicts (2 of 4 stars). 4 submissions from 4 submitters: Uncertain significance (3). 1 of the submissions does not count toward it. Last evaluated 2025-10-08.

Conditions:
NTHL1-related disorder. Also called: NTHL1-related conditions; NTHL1-related condition.
Familial adenomatous polyposis 3. Also called: NTHL1-Related Adenomatous Polyposis and Colorectal Cancer; NTHL1 Tumor Syndrome; NTHL1-associated polyposis; NTHL1-related attenuated familial adenomatous polyposis. Identifiers: Orphanet 220460, Orphanet 454840, MedGen C4225157, MONDO:0014630, OMIM 616415.
Hereditary cancer-predisposing syndrome. Also called: Tumor predisposition; Hereditary Cancer Syndrome; Neoplastic Syndromes, Hereditary; Hereditary neoplastic syndrome. Identifiers: Orphanet 140162, MedGen C0027672, MeSH D009386, MONDO:0015356.

Submissions (4):

Labcorp Genetics (formerly Invitae), Labcorp
Classification: Uncertain significance. Last evaluated: 2025-10-08. Review status: criteria provided, single submitter. Criteria: Invitae Variant Classification Sherloc (09022015). Collection method: clinical testing. Allele origin: germline.
Comment: This sequence change replaces threonine, which is neutral and polar, with proline, which is neutral and non-polar, at codon 232 of the NTHL1 protein (p.Thr232Pro). This variant is not present in population databases (gnomAD no frequency). This variant has not been reported in the literature in individuals affected with NTHL1-related conditions. ClinVar contains an entry for this variant (Variation ID: 965657). An algorithm developed to predict the effect of missense changes on protein structure and function (PolyPhen-2) suggests that this variant is likely to be tolerated. In summary, the available evidence is currently insufficient to determine the role of this variant in disease. Therefore, it has been classified as a Variant of Uncertain Significance.

St. Jude Molecular Pathology, St. Jude Children's Research Hospital
Classification: Uncertain significance for Familial adenomatous polyposis 3. Last evaluated: 2025-02-05. Review status: criteria provided, single submitter. Criteria: St. Jude Assertion Criteria 2020. Collection method: clinical testing. Allele origin: germline.
Comment: The NTHL1 c.670A>C (p.Thr224Pro) missense change is absent in gnomAD v2.1.1. The in silico tool REVEL is inconclusive about a pathogenic or benign effect of this variant on protein function, and to our knowledge functional studies have not been performed. To our knowledge, this variant has not been reported in individuals with NTHL1-associated polyposis. In summary, the evidence currently available is insufficient to determine the clinical significance of this variant. It has therefore been classified as of uncertain significance.

Ambry Genetics
Classification: Uncertain significance for Hereditary cancer-predisposing syndrome. Last evaluated: 2024-04-18. Review status: criteria provided, single submitter. Criteria: Ambry Variant Classification Scheme 2023. Collection method: clinical testing. Allele origin: germline.
Comment: The p.T232P variant (also known as c.694A>C), located in coding exon 4 of the NTHL1 gene, results from an A to C substitution at nucleotide position 694. The threonine at codon 232 is replaced by proline, an amino acid with highly similar properties. This amino acid position is conserved. In addition, the in silico prediction for this alteration is inconclusive. Since supporting evidence is limited at this time, the clinical significance of this alteration remains unclear.

PreventionGenetics, part of Exact Sciences
Classification: Uncertain significance for NTHL1-related condition. Last evaluated: 2024-07-29. Review status: no assertion criteria provided. Collection method: clinical testing. Allele origin: germline. Not counted in ClinVar's aggregate classification.
Comment: The NTHL1 c.694A>C variant is predicted to result in the amino acid substitution p.Thr232Pro. To our knowledge, this variant has not been reported in the literature or in a large population database, indicating this variant is rare. This variant is classified as a variant of uncertain significance in ClinVar. At this time, the clinical significance of this variant is uncertain due to the absence of conclusive functional and genetic evidence.

NM_002528.7(NTHL1):c.670A>C (p.Thr224Pro)

Gene: NTHL1 (nth like DNA glycosylase 1; minus strand). Cytogenetic location: 16p13.3.
Variant type: single nucleotide variant.
Coding change: c.670A>C on transcript NM_002528.7 (MANE Select); coding-DNA position 670, A replaced by C.
Protein change: p.Thr224Pro; replaces threonine 224 with proline.
Molecular consequence: missense variant.
Genome position (GRCh38, 1-based): chr16:2,043,582, T>G on the plus strand (A>C on the coding strand, the complement: NTHL1 is on the minus strand). VCF-style: chr16-2043582-T-G. GRCh37 (hg19) VCF-style: chr16-2093583-T-G.
Other names: c.499A>C, p.Thr167Pro (NM_001318193.2); c.340A>C, p.Thr114Pro (NM_001318194.2); short protein forms T114P, T167P, T224P.
Identifiers: ClinVar variation 965657 (VCV000965657.15), dbSNP rs2084297825, ClinGen allele CA394290914.